The following is an entry in ClinVar:

ClinVar aggregate classification (germline): Likely benign. Review status: criteria provided, single submitter (1 of 4 stars). 2 submissions from 2 submitters: Likely benign (1). 1 of the submissions does not count toward it. Last evaluated 2023-01-01.

Conditions:
HIVEP3-related disorder. Also called: HIVEP3-related condition.

Allele frequency attached by ClinVar (database versions not stated): ESP Exome Variant Server 0.00008; ExAC 0.00012; 1000 Genomes Project 30x 0.00016; gnomAD 0.00016; 1000 Genomes Project 0.00020.
gnomAD v4.1: 143 of 1,614,004 alleles (0.0089%); highest among the groups gnomAD compares: Middle Eastern, 0.13%; 2 homozygotes.

Submissions (2):

CeGaT Center for Human Genetics Tuebingen
Classification: Likely benign. Last evaluated: 2023-01-01. Review status: criteria provided, single submitter. Criteria: CeGaT Center For Human Genetics Tuebingen Variant Classification Criteria Version 2. Collection method: clinical testing. Allele origin: germline. Affected: yes. Observed: 1 variant allele.
Comment: HIVEP3: BP4, BP7

PreventionGenetics, part of Exact Sciences
Classification: Likely benign for HIVEP3-related condition. Last evaluated: 2019-04-09. Review status: no assertion criteria provided. Collection method: clinical testing. Allele origin: germline. Not counted in ClinVar's aggregate classification.
Comment: This variant is classified as likely benign based on ACMG/AMP sequence variant interpretation guidelines (Richards et al. 2015 PMID: 25741868, with internal and published modifications).

NM_024503.5(HIVEP3):c.288G>A (p.Pro96=)

Gene: HIVEP3 (HIVEP zinc finger 3; minus strand). Cytogenetic location: 1p34.2.
Variant type: single nucleotide variant.
Coding change: c.288G>A on transcript NM_024503.5 (MANE Select); coding-DNA position 288, G replaced by A.
Protein change: p.Pro96=; no amino-acid change (proline 96 retained).
Molecular consequence: synonymous variant.
Genome position (GRCh38, 1-based): chr1:41,584,510, C>T on the plus strand (G>A on the coding strand, the complement: HIVEP3 is on the minus strand). VCF-style: chr1-41584510-C-T. GRCh37 (hg19) VCF-style: chr1-42050181-C-T.
Other names: c.288G>A, p.Pro96= (NM_001127714.3); c.288G>A (NM_024503.4).
Identifiers: ClinVar variation 2638735 (VCV002638735.25), dbSNP rs369641811, ClinGen allele CA798438.